The following is an entry in ClinVar:

NM_001365536.1(SCN9A):c.5756A>G (p.Asp1919Gly)

Genes: SCN1A-AS1 (SCN1A and SCN9A antisense RNA 1; plus strand), SCN9A (sodium voltage-gated channel alpha subunit 9; minus strand). Cytogenetic location: 2q24.3.
Variant type: single nucleotide variant.
Coding change: c.5756A>G on transcript NM_001365536.1 (MANE Select); coding-DNA position 5756, A replaced by G.
Protein change: p.Asp1919Gly; replaces aspartic acid 1919 with glycine.
Molecular consequence: missense variant.
Genome position (GRCh38, 1-based): chr2:166,198,883, T>C on the plus strand (A>G on the coding strand, the complement: SCN9A is on the minus strand). VCF-style: chr2-166198883-T-C. GRCh37 (hg19) VCF-style: chr2-167055393-T-C.
Other names: c.5723A>G, p.Asp1908Gly (NM_002977.4); short protein forms D1919G.
Identifiers: ClinVar variation 94092 (VCV000094092.27), dbSNP rs3750904, ClinGen allele CA147609.
Genomic context (GRCh38, chr2:166,198,883, plus strand): 5'-TCATTAACATTATCAAAAGCCATATCTTTTTTATTGAGTAAATCATCATCTCTGTCTCCA[T>C]CTTTTATGTATATACTTGATATATTTTTGACATTTTGCCTTAAGCGGTAACGTCTATAAG-3'
Protein context (NP_001352465.1, residues 1909-1929): VKNISSIYIK[Asp1919Gly]GDRDDDLLNK

ClinVar aggregate classification (germline): Benign/Likely benign. Review status: criteria provided, multiple submitters, no conflicts (2 of 4 stars). 11 submissions from 9 submitters: Benign (9); Likely benign (1). 1 of the submissions does not count toward it. Last evaluated 2026-02-04.

Conditions:
Generalized epilepsy with febrile seizures plus, type 7 (GEFSP7). Also called: GEFS+, TYPE 7. Identifiers: Orphanet 36387, MedGen C2751778, MONDO:0013470, OMIM 613863.
Neuropathy, hereditary sensory and autonomic, type 2A (HSAN2A). Also called: NEUROPATHY, CONGENITAL SENSORY; NEUROPATHY, HEREDITARY SENSORY RADICULAR, AUTOSOMAL RECESSIVE; NEUROPATHY, HEREDITARY SENSORY, TYPE IIA; NEUROPATHY, PROGRESSIVE SENSORY, OF CHILDREN; WNK1-Related HSAN2 (HSAN2A); ACROOSTEOLYSIS, GIACCAI TYPE. Identifiers: Orphanet 970, MedGen C2752089, MONDO:0024309, OMIM 201300.
Primary erythromelalgia. Also called: SCN9A Erythromelalgia (SCN9A-EM); primary erythermalgia. Identifiers: Orphanet 306577, Orphanet 90026, MedGen C0014805, MONDO:0007571, OMIM 133020.
Channelopathy-associated congenital insensitivity to pain, autosomal recessive. Also called: ASYMBOLIA FOR PAIN; CONGENITAL ANALGESIA, AUTOSOMAL RECESSIVE; Insensitivity to pain, channelopathy-associated. Identifiers: Orphanet 88642, Orphanet 970, MedGen C1855739, MONDO:0009459, OMIM 243000.
Paroxysmal extreme pain disorder (PEXPD). Also called: PAIN, SUBMANDIBULAR, OCULAR, AND RECTAL, WITH FLUSHING; RECTAL PAIN, FAMILIAL; SCN9A Paroxysmal Extreme Pain Disorder (SCN9A-PEPD). Identifiers: Orphanet 46348, MedGen C1833661, MONDO:0008179, OMIM 167400.

Allele frequency attached by ClinVar (database versions not stated): gnomAD 0.02756 and 0.02984; TOPMed 0.04597; ExAC 0.04908; 1000 Genomes Project 0.06550; 1000 Genomes Project 30x 0.06777; gnomAD exomes 0.01728 and 0.06238; ESP Exome Variant Server 0.00506.
gnomAD v4.1: 30,061 of 1,613,720 alleles (1.9%); highest among the groups gnomAD compares: Admixed American, 29%; 3,560 homozygotes.

Submissions (11):

Labcorp Genetics (formerly Invitae), Labcorp
Classification: Benign for Neuropathy, hereditary sensory and autonomic, type 2A; Generalized epilepsy with febrile seizures plus, type 7. Last evaluated: 2026-02-04. Review status: criteria provided, single submitter. Criteria: Invitae Variant Classification Sherloc (09022015). Collection method: clinical testing. Allele origin: germline.

Blueprint Genetics
Classification: Likely benign. Last evaluated: 2024-11-26. Review status: criteria provided, single submitter. Criteria: ACMG Guidelines, 2015. Collection method: clinical testing. Allele origin: germline.

Unidad de Genómica Garrahan, Hospital de Pediatría Garrahan
Classification: Benign. Last evaluated: 2024-07-15. Review status: criteria provided, single submitter. Criteria: ACMG Guidelines, 2015. Collection method: clinical testing. Allele origin: germline. Affected: no. Observed: 39 variant alleles.
Comment: This variant is classified as Benign based on local population frequency. This variant was detected in 42% of patients studied in a panel designed for Epileptic and Developmental Encephalopathy and Progressive Myoclonus Epilepsy. Number of patients: 39. Only high quality variants are reported.

Illumina Laboratory Services, Illumina
Classification: Benign for Channelopathy-associated congenital insensitivity to pain, autosomal recessive. Last evaluated: 2018-01-13. Review status: criteria provided, single submitter. Criteria: ICSL Variant Classification Criteria 13 December 2019. Collection method: clinical testing. Allele origin: germline.
Comment: This variant was observed in the ICSL laboratory as part of a predisposition screen in an ostensibly healthy population. It had not been previously curated by ICSL or reported in the Human Gene Mutation Database (HGMD: prior to June 1st, 2018), and was therefore a candidate for classification through an automated scoring system. Utilizing variant allele frequency, disease prevalence and penetrance estimates, and inheritance mode, an automated score was calculated to assess if this variant is too frequent to cause the disease. Based on the score and internal cut-off values, a variant classified as benign is not then subjected to further curation. The score for this variant resulted in a classification of benign for this disease.

Illumina Laboratory Services, Illumina
Classification: Benign for Primary erythromelalgia. Last evaluated: 2018-01-13. Review status: criteria provided, single submitter. Criteria: ICSL Variant Classification Criteria 13 December 2019. Collection method: clinical testing. Allele origin: germline.
Comment: the same text as in the submission from Illumina Laboratory Services, Illumina above.

Illumina Laboratory Services, Illumina
Classification: Benign for Paroxysmal extreme pain disorder. Last evaluated: 2018-01-13. Review status: criteria provided, single submitter. Criteria: ICSL Variant Classification Criteria 13 December 2019. Collection method: clinical testing. Allele origin: germline.
Comment: the same text as in the submission from Illumina Laboratory Services, Illumina above.

Mayo Clinic Laboratories, Mayo Clinic
Classification: Benign. Last evaluated: 2016-06-15. Review status: criteria provided, single submitter. Criteria: ACMG Guidelines, 2015. Collection method: clinical testing. Allele origin: germline. Observed: 77 variant alleles.

Eurofins Ntd Llc (ga)
Classification: Benign. Last evaluated: 2013-07-05. Review status: criteria provided, single submitter. Criteria: EGL Classification Definitions 2015. Collection method: clinical testing. Allele origin: germline. Observed: 1 variant allele, 1 heterozygote.

Breakthrough Genomics
Classification: Benign. Review status: criteria provided, single submitter. Criteria: ACMG Guidelines, 2015. Collection method: not provided. Allele origin: germline. Inheritance: Autosomal recessive inheritance. Affected: yes.

PreventionGenetics, part of Exact Sciences
Classification: Benign. Review status: criteria provided, single submitter. Criteria: ACMG Guidelines, 2015. Collection method: clinical testing. Allele origin: germline.

Genetic Services Laboratory, University of Chicago
Classification: Likely benign for AllHighlyPenetrant. Review status: no assertion criteria provided. Collection method: clinical testing. Allele origin: germline. Inheritance: Autosomal dominant inheritance. Not counted in ClinVar's aggregate classification.
Comment: Likely benign based on allele frequency in 1000 Genomes Project or ESP global frequency and its presence in a patient with a rare or unrelated disease phenotype. NOT Sanger confirmed.